The following is an entry in ClinVar:

NM_006258.4(PRKG1):c.1801A>T (p.Asn601Tyr)

Gene: PRKG1 (protein kinase cGMP-dependent 1; plus strand). Cytogenetic location: 10q21.1.
Variant type: single nucleotide variant.
Coding change: c.1801A>T on transcript NM_006258.4 (MANE Select); coding-DNA position 1801, A replaced by T.
Protein change: p.Asn601Tyr; replaces asparagine 601 with tyrosine.
Molecular consequence: missense variant.
Genome position (GRCh38, 1-based): chr10:52,288,817, A>T. VCF-style: chr10-52288817-A-T. GRCh37 (hg19) VCF-style: chr10-54048577-A-T.
Other names: c.1756A>T, p.Asn586Tyr (NM_001098512.3); c.592A>T, p.Asn198Tyr (NM_001374781.1); c.1801A>T (NM_006258.3); short protein forms N586Y, N601Y, N198Y.
Identifiers: ClinVar variation 1990342 (VCV001990342.6), dbSNP rs2492884815, ClinGen allele CA376536314.

ClinVar aggregate classification (germline): Uncertain significance. Review status: criteria provided, multiple submitters, no conflicts (2 of 4 stars). 2 submissions from 2 submitters: Uncertain significance (2). Last evaluated 2024-05-26.

Conditions:
Aortic aneurysm, familial thoracic 8 (AAT8). Identifiers: MedGen C3809513, MONDO:0014187, OMIM 615436.
Familial thoracic aortic aneurysm and aortic dissection (TAAD). Also called: Thoracic aortic aneurysms and dissections. Identifiers: Orphanet 91387, MedGen C4707243, MONDO:0019625.

Submissions (2):

Labcorp Genetics (formerly Invitae), Labcorp
Classification: Uncertain significance for Aortic aneurysm, familial thoracic 8. Last evaluated: 2024-05-26. Review status: criteria provided, single submitter. Criteria: Invitae Variant Classification Sherloc (09022015). Collection method: clinical testing. Allele origin: germline.
Comment: This sequence change replaces asparagine, which is neutral and polar, with tyrosine, which is neutral and polar, at codon 601 of the PRKG1 protein (p.Asn601Tyr). This variant is not present in population databases (gnomAD no frequency). This variant has not been reported in the literature in individuals affected with PRKG1-related conditions. ClinVar contains an entry for this variant (Variation ID: 1990342). An algorithm developed to predict the effect of missense changes on protein structure and function (PolyPhen-2) suggests that this variant is likely to be disruptive. In summary, the available evidence is currently insufficient to determine the role of this variant in disease. Therefore, it has been classified as a Variant of Uncertain Significance.

Ambry Genetics
Classification: Uncertain significance for Familial thoracic aortic aneurysm and aortic dissection. Last evaluated: 2023-02-16. Review status: criteria provided, single submitter. Criteria: Ambry Variant Classification Scheme 2023. Collection method: clinical testing. Allele origin: germline.